The following is an entry in ClinVar:

ClinVar aggregate classification (germline): Pathogenic. Review status: criteria provided, multiple submitters, no conflicts (2 of 4 stars). 2 submissions from 2 submitters: Pathogenic (2). Last evaluated 2025-05-13.

Conditions:
Hereditary cancer-predisposing syndrome. Also called: Hereditary Cancer Syndrome; Neoplastic Syndromes, Hereditary; Hereditary neoplastic syndrome; Tumor predisposition. Identifiers: Orphanet 140162, MedGen C0027672, MeSH D009386, MONDO:0015356.
Familial adenomatous polyposis 1 (FAP1). Also called: FAMILIAL ADENOMATOUS POLYPOSIS 1, ATTENUATED; POLYPOSIS, ADENOMATOUS INTESTINAL. Identifiers: MedGen C2713442, MONDO:0021056, OMIM 175100. Disease mechanism: loss of function.

Submissions (2):

Ambry Genetics
Classification: Pathogenic for Hereditary cancer-predisposing syndrome. Last evaluated: 2025-05-13. Review status: criteria provided, single submitter. Criteria: Ambry Variant Classification Scheme 2023. Collection method: clinical testing. Allele origin: germline.
Comment: The c.3587dupC pathogenic mutation, located in coding exon 15 of the APC gene, results from a duplication of C at nucleotide position 3587, causing a translational frameshift with a predicted alternate stop codon (p.F1197Ifs*11). This alteration occurs at the 3' terminus of theAPC gene, is not expected to trigger nonsense-mediated mRNA decay, and impacts the last 58% of the protein. However, premature stop codons are typically deleterious in nature and a significant portion of the protein is affected (Ambry internal data). This variant was reported in individual(s) with features consistent with APC-related familial adenomatous polyposis (Ambry internal data). This variant is considered to be rare based on population cohorts in the Genome Aggregation Database (gnomAD). Based on the supporting evidence, this variant is interpreted as a disease-causing mutation.

Labcorp Genetics (formerly Invitae), Labcorp
Classification: Pathogenic for Familial adenomatous polyposis 1. Last evaluated: 2024-07-21. Review status: criteria provided, single submitter. Criteria: Invitae Variant Classification Sherloc (09022015). Collection method: clinical testing. Allele origin: germline.
Comment: This sequence change creates a premature translational stop signal (p.Phe1197Ilefs*11) in the APC gene. While this is not anticipated to result in nonsense mediated decay, it is expected to disrupt the last 1647 amino acid(s) of the APC protein. This variant is not present in population databases (gnomAD no frequency). This variant has not been reported in the literature in individuals affected with APC-related conditions. This variant is expected to disrupt the EB1 and HDLG binding sites, which mediate interactions with the cytoskeleton (PMID: 15311282, 17293347). While functional studies have not been performed to directly test the effect on APC protein function, this suggests that disruption of the C-terminal portion of the protein is functionally important. A different truncation (p.Tyr2645Lysfs*14) that lies downstream of this variant has been determined to be pathogenic (PMID: 9824584, 1316610, 27081525, 8381579, 22135120, Invitae). This suggests that deletion of this region of the APC protein is causative of disease. For these reasons, this variant has been classified as Pathogenic.

Literature cited by the submitters: PubMed 15311282 (cited by Labcorp Genetics (formerly Invitae), Labcorp); PubMed 17293347 (cited by Labcorp Genetics (formerly Invitae), Labcorp); PubMed 9824584 (cited by Labcorp Genetics (formerly Invitae), Labcorp); PubMed 1316610 (cited by Labcorp Genetics (formerly Invitae), Labcorp); PubMed 27081525 (cited by Labcorp Genetics (formerly Invitae), Labcorp); PubMed 8381579 (cited by Labcorp Genetics (formerly Invitae), Labcorp); PubMed 22135120 (cited by Labcorp Genetics (formerly Invitae), Labcorp).

NM_000038.6(APC):c.3587dup (p.Phe1197fs)

Gene: APC (APC regulator of Wnt signaling pathway; plus strand). Cytogenetic location: 5q22.2.
Variant type: Duplication.
Coding change: c.3587dup on transcript NM_000038.6 (MANE Select); coding-DNA position 3587, one base duplicated (C; older notation c.3587dupC).
Protein change: p.Phe1197fs; shifts the reading frame from phenylalanine 1197.
Molecular consequence: frameshift variant. On other transcripts: non-coding transcript variant (2).
Genome position (GRCh38, 1-based): chr5:112,839,181, C duplicated. VCF-style (leftmost placement, unchanged base first): chr5-112839180-T-TC. GRCh37 (hg19) VCF-style: chr5-112174877-T-TC.
Other names: c.3587dup, p.Phe1197fs (NM_001127510.3, NM_001354895.2, NM_001407450.1); c.3533dup, p.Phe1179fs (NM_001127511.3); c.3641dup, p.Phe1215fs (NM_001354896.2, NM_001407447.1, NM_001407448.1 and 1 more transcripts); c.3617dup, p.Phe1207fs (NM_001354897.2); c.3512dup, p.Phe1172fs (NM_001354898.2); c.3503dup, p.Phe1169fs (NM_001354899.2); c.3464dup, p.Phe1156fs (NM_001354900.2); c.3410dup, p.Phe1138fs (NM_001354901.2, NM_001407453.1); and 12 more; short protein forms F1037fs, F1071fs, F1096fs, F1138fs, F1156fs, F1197fs, F813fs, F1114fs.
Identifiers: ClinVar variation 3654347 (VCV003654347.3).